The following is an entry in ClinVar:

NM_001040108.2(MLH3):c.3612G>T (p.Met1204Ile)

Gene: MLH3 (mutL homolog 3; minus strand). Cytogenetic location: 14q24.3.
Variant type: single nucleotide variant.
Coding change: c.3612G>T on transcript NM_001040108.2 (MANE Select); coding-DNA position 3612, G replaced by T.
Protein change: p.Met1204Ile; replaces methionine 1204 with isoleucine.
Molecular consequence: missense variant.
Genome position (GRCh38, 1-based): chr14:75,038,371, C>A on the plus strand (G>T on the coding strand, the complement: MLH3 is on the minus strand). VCF-style: chr14-75038371-C-A. GRCh37 (hg19) VCF-style: chr14-75505074-C-A.
Other names: c.3612G>T, p.Met1204Ile (NM_014381.3); short protein forms M1204I.
Identifiers: ClinVar variation 1733249 (VCV001733249.2), dbSNP rs770520936, ClinGen allele CA7275406.

ClinVar aggregate classification (germline): Uncertain significance (1 of 4 stars; one submission).

Allele frequency attached by ClinVar (database versions not stated): TOPMed below 0.00001; ExAC 0.00001.

Submission:

Ambry Genetics
Classification: Uncertain significance. Last evaluated: 2022-10-19. Review status: criteria provided, single submitter. Criteria: Ambry Variant Classification Scheme 2023. Collection method: clinical testing. Allele origin: germline.
Comment: The p.M1204I variant (also known as c.3612G>T), located in coding exon 5 of the MLH3 gene, results from a G to T substitution at nucleotide position 3612. The methionine at codon 1204 is replaced by isoleucine, an amino acid with highly similar properties. This amino acid position is conserved. In addition, the in silico prediction for this alteration is inconclusive. Since supporting evidence is limited at this time, the clinical significance of this alteration remains unclear.